The following is an entry in ClinVar:

ClinVar aggregate classification (germline): Uncertain significance. Review status: criteria provided, multiple submitters, no conflicts (2 of 4 stars). 2 submissions from 2 submitters: Uncertain significance (2). Last evaluated 2025-04-17.

Conditions:
Inborn genetic diseases. Identifiers: MedGen C0950123, MeSH D030342.
Hereditary sensory and autonomic neuropathy type 6. Also called: Neuropathy, hereditary sensory and autonomic, type VI; HSAN VI. Identifiers: Orphanet 314381, MedGen C3539003, MONDO:0013839, OMIM 614653.
Epidermolysis bullosa simplex 3, localized or generalized intermediate, with BP230 deficiency (EBS3). Also called: Epidermolysis bullosa simplex, autosomal recessive 2; Epidermolysis bullosa simplex due to BP230 deficiency. Identifiers: Orphanet 412181, MedGen C3809470, MONDO:0014180, OMIM 615425.

Allele frequency attached by ClinVar (database versions not stated): gnomAD 0.00001; ExAC 0.00004; gnomAD exomes 0.00004 and 0.00015; TOPMed 0.00004.
gnomAD v4.1: 213 of 1,613,330 alleles (0.013%); highest among the groups gnomAD compares: Non-Finnish European, 0.018%; no homozygotes.

Submissions (2):

Labcorp Genetics (formerly Invitae), Labcorp
Classification: Uncertain significance for Epidermolysis bullosa simplex 3, localized or generalized intermediate, with BP230 deficiency; Hereditary sensory and autonomic neuropathy type 6. Last evaluated: 2025-04-17. Review status: criteria provided, single submitter. Criteria: Invitae Variant Classification Sherloc (09022015). Collection method: clinical testing. Allele origin: germline.
Comment: The DST gene has multiple clinically relevant transcripts. This variant occurs in alternate transcript NM_015548.4, and corresponds to NM_001723.5:c.*23292C>T in the primary transcript. This sequence change replaces alanine, which is neutral and non-polar, with valine, which is neutral and non-polar, at codon 1664 of the DST protein (p.Ala1664Val). This variant is present in population databases (rs760441270, gnomAD 0.006%). This variant has not been reported in the literature in individuals affected with DST-related conditions. ClinVar contains an entry for this variant (Variation ID: 968330). Experimental studies and prediction algorithms are not available or were not evaluated, and the functional significance of this variant is currently unknown. In summary, the available evidence is currently insufficient to determine the role of this variant in disease. Therefore, it has been classified as a Variant of Uncertain Significance.

Ambry Genetics
Classification: Uncertain significance for Inborn genetic diseases. Last evaluated: 2023-06-07. Review status: criteria provided, single submitter. Criteria: Ambry Variant Classification Scheme 2023. Collection method: clinical testing. Allele origin: germline.

NM_001374736.1(DST):c.12860C>T (p.Ala4287Val)

Gene: DST (dystonin; minus strand). Cytogenetic location: 6p12.1.
Variant type: single nucleotide variant.
Coding change: c.12860C>T on transcript NM_001374736.1 (MANE Select); coding-DNA position 12860, C replaced by T.
Protein change: p.Ala4287Val; replaces alanine 4287 with valine.
Molecular consequence: missense variant.
Genome position (GRCh38, 1-based): chr6:56,592,225, G>A on the plus strand (C>T on the coding strand, the complement: DST is on the minus strand). VCF-style: chr6-56592225-G-A. GRCh37 (hg19) VCF-style: chr6-56457023-G-A.
Other names: c.6503C>T (NM_001144769.2); c.6503C>T, p.Ala2168Val (NM_001144769.5); c.6089C>T, p.Ala2030Val (NM_001144770.2); c.12860C>T, p.Ala4287Val (NM_001374722.1); c.12227C>T, p.Ala4076Val (NM_001374729.1); c.5969C>T, p.Ala1990Val (NM_001374730.1, NM_183380.4); c.12887C>T, p.Ala4296Val (NM_001374734.1); c.4991C>T, p.Ala1664Val (NM_015548.5); short protein forms A1664V, A2030V, A4076V, A4287V, A4296V, A1990V, A2168V.
Identifiers: ClinVar variation 968330 (VCV000968330.8), dbSNP rs760441270, ClinGen allele CA3868374.